The following is an entry in ClinVar:

NM_001386393.1(PANK2):c.1207-3C>G

Gene: PANK2 (pantothenate kinase 2; plus strand). Cytogenetic location: 20p13.
Variant type: single nucleotide variant.
Coding change: c.1207-3C>G on transcript NM_001386393.1 (MANE Select); 3 bases into the intron before coding-DNA position 1207, C replaced by G.
Molecular consequence: intron variant.
Genome position (GRCh38, 1-based): chr20:3,918,668, C>G. VCF-style: chr20-3918668-C-G. GRCh37 (hg19) VCF-style: chr20-3899315-C-G.
Other names: c.664-3C>G (NM_024960.6, NM_001324191.2, NM_153640.4); c.1537-3C>G (NM_153638.4); c.229-3C>G (NM_001324193.2).
Identifiers: ClinVar variation 648878 (VCV000648878.9), dbSNP rs370766524, ClinGen allele CA311040017.
Genomic context (GRCh38, chr20:3,918,668, plus strand): 5'-GTAGCTTTTATGAGAAAATAGAAATTAAGATGAAAACTAATTGCCTTTTTTTGGTGTGCT[C>G]AGAACATTAACCAGGTGGTATTTGTTGGAAATTTCTTGAGAATTAATACGATCGCCATGC-3'

ClinVar aggregate classification (germline): Pathogenic/Likely pathogenic. Review status: criteria provided, multiple submitters, no conflicts (2 of 4 stars). 4 submissions from 4 submitters: Pathogenic (2); Likely pathogenic (2). Last evaluated 2025-11-20.

Conditions:
Pigmentary pallidal degeneration (NBIA1). Also called: PKAN NEUROAXONAL DYSTROPHY, JUVENILE-ONSET; Pantothenate Kinase-Associated Neurodegeneration; Neuroaxonal dystrophy, late infantile; Hallervorden-Spatz disease; Neurodegeneration with brain iron accumulation 1; HARP SYNDROME. Identifiers: Orphanet 157850, MedGen C0018523, MONDO:0009319, OMIM 234200.

Allele frequency attached by ClinVar (database versions not stated): TOPMed 0.00001; ESP Exome Variant Server 0.00008; gnomAD exomes below 0.00001.
gnomAD v4.1: 2 of 1,614,052 alleles (0.00012%); highest among the groups gnomAD compares: Admixed American, 0.0017%; no homozygotes.

Submissions (4):

Dasa
Classification: Likely pathogenic for pantothenate kinase-associated neurodegeneration. Last evaluated: 2025-11-20. Review status: criteria provided, single submitter. Criteria: DASA Assertion Criteria. Collection method: clinical testing. Allele origin: germline.
Comment: NM_001386393.1(PANK2):c.1207-3C>G is a splice-region variant predicted to affect normal RNA splicing. This variant affects a splice-region context with prior evidence supporting clinical relevance. This variant has been reported in individuals with PANK2-related disorders (PMID: 11479594). Also, this variant is rare in population databases. Computational evidence supports a deleterious effect. Based on the currently available evidence, this variant is classified as likely pathogenic.

Labcorp Genetics (formerly Invitae), Labcorp
Classification: Pathogenic for Pigmentary pallidal degeneration. Last evaluated: 2023-12-09. Review status: criteria provided, single submitter. Criteria: Invitae Variant Classification Sherloc (09022015). Collection method: clinical testing. Allele origin: germline.
Comment: This sequence change falls in intron 5 of the PANK2 gene. It does not directly change the encoded amino acid sequence of the PANK2 protein. It affects a nucleotide within the consensus splice site. This variant is not present in population databases (gnomAD no frequency). This variant has been observed in individual(s) with clinical features of neurodegeneration with brain iron accumulation (PMID: 11479594; Invitae). In at least one individual the data is consistent with being in trans (on the opposite chromosome) from a pathogenic variant. ClinVar contains an entry for this variant (Variation ID: 648878). Variants that disrupt the consensus splice site are a relatively common cause of aberrant splicing (PMID: 17576681, 9536098). Algorithms developed to predict the effect of sequence changes on RNA splicing suggest that this variant may disrupt the consensus splice site. For these reasons, this variant has been classified as Pathogenic.

GeneDx
Classification: Likely pathogenic. Last evaluated: 2022-12-09. Review status: criteria provided, single submitter. Criteria: GeneDx Variant Classification Process June 2021. Collection method: clinical testing. Allele origin: germline. Affected: yes.
Comment: Not observed at significant frequency in large population cohorts (gnomAD); In silico analysis supports a deleterious effect on splicing; This variant is associated with the following publications: (PMID: 11479594, 25525159, 29213449)

Mendelics
Classification: Pathogenic for Pigmentary pallidal degeneration. Last evaluated: 2022-05-04. Review status: criteria provided, single submitter. Criteria: Mendelics Assertion Criteria 2019. Collection method: clinical testing. Allele origin: germline.

Literature cited by the submitters: PubMed 28113101 (cited by Dasa); PubMed 11479594 (cited by Dasa and Labcorp Genetics (formerly Invitae), Labcorp); PubMed 29213449 (cited by Dasa); PubMed 38582019 (cited by Dasa); PubMed 17576681 (cited by Labcorp Genetics (formerly Invitae), Labcorp); PubMed 9536098 (cited by Labcorp Genetics (formerly Invitae), Labcorp).